The following is an entry in ClinVar:

ClinVar aggregate classification (germline): Uncertain significance (1 of 4 stars; one submission).

Conditions:
Myofibrillar myopathy 6. Identifiers: Orphanet 199340, MedGen C2751831, MONDO:0013061, OMIM 612954.
Dilated cardiomyopathy 1HH (CMD1HH). Identifiers: Orphanet 154, MedGen C3151293, MONDO:0013479, OMIM 613881.

Submission:

Labcorp Genetics (formerly Invitae), Labcorp
Classification: Uncertain significance for Dilated cardiomyopathy 1HH; Myofibrillar myopathy 6. Last evaluated: 2022-08-23. Review status: criteria provided, single submitter. Criteria: Invitae Variant Classification Sherloc (09022015). Collection method: clinical testing. Allele origin: germline.
Comment: ClinVar contains an entry for this variant (Variation ID: 539150). In summary, the available evidence is currently insufficient to determine the role of this variant in disease. Therefore, it has been classified as a Variant of Uncertain Significance. Algorithms developed to predict the effect of missense changes on protein structure and function output the following: SIFT: "Tolerated"; PolyPhen-2: "Benign"; Align-GVGD: "Class C0". The alanine amino acid residue is found in multiple mammalian species, which suggests that this missense change does not adversely affect protein function. This variant has not been reported in the literature in individuals affected with BAG3-related conditions. This variant is not present in population databases (gnomAD no frequency). This sequence change replaces serine, which is neutral and polar, with alanine, which is neutral and non-polar, at codon 386 of the BAG3 protein (p.Ser386Ala).

NM_004281.4(BAG3):c.1156T>G (p.Ser386Ala)

Gene: BAG3 (BAG cochaperone 3; plus strand). Cytogenetic location: 10q26.11.
Variant type: single nucleotide variant.
Coding change: c.1156T>G on transcript NM_004281.4 (MANE Select); coding-DNA position 1156, T replaced by G.
Protein change: p.Ser386Ala; replaces serine 386 with alanine.
Molecular consequence: missense variant.
Genome position (GRCh38, 1-based): chr10:119,676,710, T>G. VCF-style: chr10-119676710-T-G. GRCh37 (hg19) VCF-style: chr10-121436222-T-G.
Other names: short protein forms S386A.
Identifiers: ClinVar variation 539150 (VCV000539150.10), dbSNP rs1554877763, ClinGen allele CA378296736.